The following is an entry in ClinVar:

ClinVar aggregate classification (germline): Uncertain significance. Review status: criteria provided, multiple submitters, no conflicts (2 of 4 stars). 2 submissions from 2 submitters: Uncertain significance (2). Last evaluated 2023-02-02.

Conditions:
Emery-Dreifuss muscular dystrophy (EDMD). Also called: Scapuloperoneal syndrome, X-linked (formerly); Humeroperoneal neuromuscular disease, (formerly). Identifiers: Orphanet 261, MedGen C0410189, MONDO:0016830.

Allele frequency attached by ClinVar (database versions not stated): ExAC 0.00002; TOPMed 0.00003; ESP Exome Variant Server 0.00008; gnomAD 0.00008.

Submissions (2):

Labcorp Genetics (formerly Invitae), Labcorp
Classification: Uncertain significance for Emery-Dreifuss muscular dystrophy. Last evaluated: 2023-02-02. Review status: criteria provided, single submitter. Criteria: Invitae Variant Classification Sherloc (09022015). Collection method: clinical testing. Allele origin: germline.
Comment: This sequence change replaces arginine, which is basic and polar, with cysteine, which is neutral and slightly polar, at codon 141 of the SUN1 protein (p.Arg141Cys). This variant is present in population databases (rs371548131, gnomAD 0.006%). This variant has not been reported in the literature in individuals affected with SUN1-related conditions. Algorithms developed to predict the effect of missense changes on protein structure and function output the following: SIFT: "Deleterious"; PolyPhen-2: "Benign"; Align-GVGD: "Class C0". The cysteine amino acid residue is found in multiple mammalian species, which suggests that this missense change does not adversely affect protein function. In summary, the available evidence is currently insufficient to determine the role of this variant in disease. Therefore, it has been classified as a Variant of Uncertain Significance.

Ambry Genetics
Classification: Uncertain significance. Last evaluated: 2021-09-16. Review status: criteria provided, single submitter. Criteria: Ambry Variant Classification Scheme 2023. Collection method: clinical testing. Allele origin: germline.

NM_001130965.3(SUN1):c.421C>T (p.Arg141Cys)

Gene: SUN1 (Sad1 and UNC84 domain containing 1; plus strand). Cytogenetic location: 7p22.3.
Variant type: single nucleotide variant.
Coding change: c.421C>T on transcript NM_001130965.3 (MANE Select); coding-DNA position 421, C replaced by T.
Protein change: p.Arg141Cys; replaces arginine 141 with cysteine.
Molecular consequence: missense variant. On other transcripts: 5 prime UTR variant (4), non-coding transcript variant (3).
Genome position (GRCh38, 1-based): chr7:842,100, C>T. VCF-style: chr7-842100-C-T. GRCh37 (hg19) VCF-style: chr7-881737-C-T.
Other names: c.421C>T, p.Arg141Cys (NM_001171944.2, NM_001171946.2, NM_001367633.1 and 34 more transcripts); c.484C>T, p.Arg162Cys (NM_001171945.2); c.-37C>T (NM_001367635.1); c.271C>T, p.Arg91Cys (NM_001367636.1, NM_001367637.1, NM_001367644.1 and 25 more transcripts); c.-147C>T (NM_001367639.1, NM_001367708.1); c.640C>T, p.Arg214Cys (NM_001367651.1); c.-341C>T (NM_001367658.1); c.232C>T, p.Arg78Cys (NM_001367695.1); short protein forms R141C, R78C, R91C, R162C, R214C.
Identifiers: ClinVar variation 2400178 (VCV002400178.5), dbSNP rs371548131, ClinGen allele CA4111495.
Genomic context (GRCh38, chr7:842,100, plus strand): 5'-ACTGTCAGCCTGCAGGATGCTGTGACTCGACGGCCTCCTGTATTGGACGAGTCTTGGATT[C>T]GTGAACAGACCACAGTGGACCACTTCTGGGGTGAGTCCCTGCGAGACACAGATTGTCCCG-3'
Protein context (NP_001124437.1, residues 131-151): RPPVLDESWI[Arg141Cys]EQTTVDHFWG